The following is an entry in ClinVar:

ClinVar aggregate classification (germline): Uncertain significance. Review status: criteria provided, multiple submitters, no conflicts (2 of 4 stars). 4 submissions from 4 submitters: Uncertain significance (4). Last evaluated 2024-12-19.

Conditions:
Granulomatous disease, chronic, autosomal recessive, cytochrome b-positive, type 3. Also called: GRANULOMATOUS DISEASE, CHRONIC, AUTOSOMAL RECESSIVE, 3; CGD, AUTOSOMAL RECESSIVE CYTOCHROME b-POSITIVE, TYPE III; Granulomatous disease, chronic, autosomal recessive, cytochrome b-positive, type III; GRANULOMATOUS DISEASE, CHRONIC, DUE TO NCF4 DEFICIENCY. Identifiers: Orphanet 379, MedGen C3151409, MONDO:0013507, OMIM 613960.

Allele frequency attached by ClinVar (database versions not stated): gnomAD exomes 0.00010 and 0.00013; ExAC 0.00012; TOPMed 0.00017; gnomAD 0.00019 and 0.00021; ESP Exome Variant Server 0.00038.
gnomAD v4.1: 210 of 1,614,028 alleles (0.013%); highest among the groups gnomAD compares: Non-Finnish European, 0.016%; no homozygotes.

Submissions (4):

GeneDx
Classification: Uncertain significance. Last evaluated: 2024-12-19. Review status: criteria provided, single submitter. Criteria: GeneDx Variant Classification Process June 2021. Collection method: clinical testing. Allele origin: germline. Affected: yes.
Comment: In silico analysis supports that this missense variant has a deleterious effect on protein structure/function; Has not been previously published as pathogenic or benign to our knowledge

Ambry Genetics
Classification: Uncertain significance. Last evaluated: 2024-08-01. Review status: criteria provided, single submitter. Criteria: Ambry Variant Classification Scheme 2023. Collection method: clinical testing. Allele origin: germline.

CeGaT Center for Human Genetics Tuebingen
Classification: Uncertain significance. Last evaluated: 2024-06-01. Review status: criteria provided, single submitter. Criteria: CeGaT Center For Human Genetics Tuebingen Variant Classification Criteria Version 2. Collection method: clinical testing. Allele origin: germline. Affected: yes. Observed: 1 variant allele.
Comment: NCF4: PM2

Labcorp Genetics (formerly Invitae), Labcorp
Classification: Uncertain significance for Granulomatous disease, chronic, autosomal recessive, cytochrome b-positive, type 3. Last evaluated: 2022-08-23. Review status: criteria provided, single submitter. Criteria: Invitae Variant Classification Sherloc (09022015). Collection method: clinical testing. Allele origin: germline.
Comment: This sequence change replaces proline, which is neutral and non-polar, with leucine, which is neutral and non-polar, at codon 17 of the NCF4 protein (p.Pro17Leu). This variant is present in population databases (rs147322774, gnomAD 0.02%). This variant has not been reported in the literature in individuals affected with NCF4-related conditions. ClinVar contains an entry for this variant (Variation ID: 661385). Algorithms developed to predict the effect of missense changes on protein structure and function (SIFT, PolyPhen-2, Align-GVGD) all suggest that this variant is likely to be disruptive. In summary, the available evidence is currently insufficient to determine the role of this variant in disease. Therefore, it has been classified as a Variant of Uncertain Significance.

NM_000631.5(NCF4):c.50C>T (p.Pro17Leu)

Genes: NCF4 (neutrophil cytosolic factor 4; plus strand), NCF4-AS1 (NCF4 antisense RNA 1; minus strand). Cytogenetic location: 22q12.3.
Variant type: single nucleotide variant.
Coding change: c.50C>T on transcript NM_000631.5 (MANE Select); coding-DNA position 50, C replaced by T.
Protein change: p.Pro17Leu; replaces proline 17 with leucine.
Molecular consequence: missense variant.
Genome position (GRCh38, 1-based): chr22:36,864,062, C>T. VCF-style: chr22-36864062-C-T. GRCh37 (hg19) VCF-style: chr22-37260104-C-T.
Other names: c.50C>T, p.Pro17Leu (NM_013416.4); short protein forms P17L.
Identifiers: ClinVar variation 661385 (VCV000661385.29), dbSNP rs147322774, ClinGen allele CA10212817.